The following is an entry in ClinVar:

NM_004208.4(AIFM1):c.1720G>T (p.Val574Leu)

Genes: AIFM1 (apoptosis inducing factor mitochondria associated 1; minus strand), RAB33A (RAB33A, member RAS oncogene family; plus strand). Cytogenetic location: Xq26.1.
Variant type: single nucleotide variant.
Coding change: c.1720G>T on transcript NM_004208.4 (MANE Select); coding-DNA position 1720, G replaced by T.
Protein change: p.Val574Leu; replaces valine 574 with leucine.
Molecular consequence: missense variant. On other transcripts: 3 prime UTR variant (1), non-coding transcript variant (1).
Genome position (GRCh38, 1-based): chrX:130,130,020, C>A on the plus strand (G>T on the coding strand, the complement: AIFM1 is on the minus strand). VCF-style: chrX-130130020-C-A. GRCh37 (hg19) VCF-style: chrX-129263995-C-A.
Other names: c.703G>T, p.Val235Leu (NM_001130846.4); c.*948G>T (NM_001130847.4); c.1708G>T, p.Val570Leu (NM_145812.3); short protein forms V235L, V570L, V574L.
Identifiers: ClinVar variation 3371877 (VCV003371877.1).

ClinVar aggregate classification (germline): Uncertain significance (1 of 4 stars; one submission).

Submission:

GeneDx
Classification: Uncertain significance. Last evaluated: 2024-04-07. Review status: criteria provided, single submitter. Criteria: GeneDx Variant Classification Process June 2021. Collection method: clinical testing. Allele origin: germline. Affected: yes.
Comment: Not observed at significant frequency in large population cohorts (gnomAD); In silico analysis supports that this missense variant has a deleterious effect on protein structure/function; Has not been previously published as pathogenic or benign to our knowledge